The following is an entry in ClinVar:

NM_001290321.3(DMXL1):c.7257G>A (p.Ala2419=)

Gene: DMXL1 (Dmx like 1; plus strand). Cytogenetic location: 5q23.1.
Variant type: single nucleotide variant.
Coding change: c.7257G>A on transcript NM_001290321.3 (MANE Select); coding-DNA position 7257, G replaced by A.
Protein change: p.Ala2419=; no amino-acid change (alanine 2419 retained).
Molecular consequence: synonymous variant. On other transcripts: non-coding transcript variant (3).
Genome position (GRCh38, 1-based): chr5:119,189,829, G>A. VCF-style: chr5-119189829-G-A. GRCh37 (hg19) VCF-style: chr5-118525524-G-A.
Other names: c.7257G>A, p.Ala2419= (NM_001349239.2, NM_001349240.2, NM_001387933.1 and 1 more transcripts); c.7065G>A, p.Ala2355= (NM_001387934.1); c.6552G>A, p.Ala2184= (NM_001387937.1); c.6270G>A, p.Ala2090= (NM_001387938.1).
Identifiers: ClinVar variation 3033895 (VCV003033895.2), dbSNP rs17144964, ClinGen allele CA3380806.
Genomic context (GRCh38, chr5:119,189,829, plus strand): 5'-TTGCAGAGAATCTGCCCCACTGACCCCTTCCTCGGCACCAGTAAGCCAGGAGTCACTGGC[G>A]GTTAAAGAAAAGTTCATCCCACCTGAGCTCAGTATCTGGGACTATTTCATAGCTAAGGTA-3'
Protein context (NP_001277250.1, residues 2409-2429): SSAPVSQESL[Ala2419=]VKEKFIPPEL

ClinVar aggregate classification (germline): Benign (0 of 4 stars; one submission).

Conditions:
DMXL1-related disorder. Also called: DMXL1-related condition.

Allele frequency attached by ClinVar (database versions not stated): gnomAD exomes 0.00031; ExAC 0.00077; ESP Exome Variant Server 0.00246; gnomAD 0.00271; TOPMed 0.00318; 1000 Genomes Project 0.00319; 1000 Genomes Project 30x 0.00344.
gnomAD v4.1: 924 of 1,613,978 alleles (0.057%); highest among the groups gnomAD compares: African/African-American, 0.85%; 3 homozygotes.

Submission:

PreventionGenetics, part of Exact Sciences
Classification: Benign for DMXL1-related condition. Last evaluated: 2019-06-17. Review status: no assertion criteria provided. Collection method: clinical testing. Allele origin: germline.
Comment: This variant is classified as benign based on ACMG/AMP sequence variant interpretation guidelines (Richards et al. 2015 PMID: 25741868, with internal and published modifications).